The following continues an entry in ClinVar:

NM_001048174.2(MUTYH):c.1171G>A (p.Ala391Thr)

Gene: MUTYH. ClinVar aggregate classification (germline): Conflicting classifications of pathogenicity. Uncertain significance (11); Benign (1); Likely benign (2).

Submissions 11 to 15 of 15:

Department of Pathology and Laboratory Medicine, Sinai Health System
Classification: Uncertain significance for Familial adenomatous polyposis 2. Last evaluated: 2020-08-21. Review status: criteria provided, single submitter. Criteria: ACMG Guidelines, 2015. Collection method: clinical testing. Allele origin: germline. Affected: yes.

Women's Health and Genetics/Laboratory Corporation of America, LabCorp
Classification: Uncertain significance. Last evaluated: 2019-11-11. Review status: criteria provided, single submitter. Criteria: LabCorp Variant Classification Summary - May 2015. Collection method: clinical testing. Allele origin: germline.
Comment: Variant summary: MUTYH c.1255G>A (p.Ala419Thr) results in a non-conservative amino acid change located in the C-terminal domain (IPR029119) and NUDIX hydrolase domains (IPR000086) of the encoded protein sequence. Three of five in-silico tools predict a benign effect of the variant on protein function. The variant allele was found at a frequency of 6.4e-05 in 251158 control chromosomes (gnomAD). This frequency is not significantly higher than expected for a pathogenic variant in MUTYH causing MUTYH-associated Polyposis (6.4e-05 vs 0.0046), allowing no conclusion about variant significance. To our knowledge, there are no reports of c.1255G>A in individuals affected with MUTYH-associated Polyposis and no experimental evidence demonstrating an impact on protein function in the literature. c.1255G>A has been reported in an individual with Lynch syndrome (Yurgelun_2015) and in an individual with glioblastoma mulitforme (Lu_2015). These reports do not provide unequivocal conclusions about association of the variant with MUTYH-associated Polyposis. Eight other ClinVar submitters (evaluation after 2014) cite the variant as uncertain significance. Based on the evidence outlined above, the variant was classified as uncertain significance.

Illumina Laboratory Services, Illumina
Classification: Uncertain significance for Familial adenomatous polyposis 2. Last evaluated: 2018-01-13. Review status: criteria provided, single submitter. Criteria: ICSL Variant Classification Criteria 13 December 2019. Collection method: clinical testing. Allele origin: germline.

Fulgent Genetics
Classification: Uncertain significance for Pilomatrixoma; Familial adenomatous polyposis 2; Gastric cancer. Last evaluated: 2017-05-23. Review status: criteria provided, single submitter. Criteria: ACMG Guidelines, 2015. Collection method: clinical testing. Allele origin: unknown.

Counsyl
Classification: Uncertain significance for Familial adenomatous polyposis 2. Last evaluated: 2016-07-19. Review status: no assertion criteria provided. Collection method: clinical testing. Allele origin: unknown. Not counted in ClinVar's aggregate classification.

Literature cited by the submitters: PubMed 17581577 (cited by 3 submitters); PubMed 25980754 (cited by 8 submitters); PubMed 26689913 (cited by 7 submitters); PubMed 33471991 (cited by 3 submitters); PubMed 19725997 (cited by Quest Diagnostics Nichols Institute San Juan Capistrano and Ambry Genetics); PubMed 17161978 (cited by Ambry Genetics).